The following is an entry in ClinVar:

ClinVar aggregate classification (germline): Uncertain significance. Review status: criteria provided, multiple submitters, no conflicts (2 of 4 stars). 2 submissions from 2 submitters: Uncertain significance (2). Last evaluated 2025-10-14.

gnomAD v4.1: 1 of 1,614,084 alleles (0.000062%); highest among the groups gnomAD compares: Admixed American, 0.0017%; no homozygotes.

Submissions (2):

Labcorp Genetics (formerly Invitae), Labcorp
Classification: Uncertain significance. Last evaluated: 2025-10-14. Review status: criteria provided, single submitter. Criteria: Invitae Variant Classification Sherloc (09022015). Collection method: clinical testing. Allele origin: germline.
Comment: This sequence change replaces phenylalanine, which is neutral and non-polar, with leucine, which is neutral and non-polar, at codon 232 of the VCAN protein (p.Phe232Leu). This variant is not present in population databases (gnomAD no frequency). This variant has not been reported in the literature in individuals affected with VCAN-related conditions. ClinVar contains an entry for this variant (Variation ID: 2001817). An algorithm developed to predict the effect of missense changes on protein structure and function outputs the following: PolyPhen-2: "Benign". The leucine amino acid residue is found in multiple mammalian species, which suggests that this missense change does not adversely affect protein function. In summary, the available evidence is currently insufficient to determine the role of this variant in disease. Therefore, it has been classified as a Variant of Uncertain Significance.

Blueprint Genetics
Classification: Uncertain significance. Last evaluated: 2021-08-23. Review status: criteria provided, single submitter. Criteria: ACMG Guidelines, 2015. Collection method: clinical testing. Allele origin: germline.

NM_004385.5(VCAN):c.696C>A (p.Phe232Leu)

Gene: VCAN (versican; plus strand). Cytogenetic location: 5q14.2.
Variant type: single nucleotide variant.
Coding change: c.696C>A on transcript NM_004385.5 (MANE Select); coding-DNA position 696, C replaced by A.
Protein change: p.Phe232Leu; replaces phenylalanine 232 with leucine.
Molecular consequence: missense variant.
Genome position (GRCh38, 1-based): chr5:83,493,879, C>A. VCF-style: chr5-83493879-C-A. GRCh37 (hg19) VCF-style: chr5-82789698-C-A.
Other names: c.696C>A, p.Phe232Leu (NM_001126336.3, NM_001164097.2, NM_001164098.2); short protein forms F232L.
Identifiers: ClinVar variation 2001817 (VCV002001817.5), dbSNP rs1214212199, ClinGen allele CA360296901.
Genomic context (GRCh38, chr5:83,493,879, plus strand): 5'-TCCCAGAGTAGGCTGTTATGGAGATAAGATGGGAAAGGCAGGAGTCAGGACTTATGGATT[C>A]CGTTCTCCCCAGGAAACTTACGATGTGTATTGTTATGTGGATCATCTGGATGGTAAGATG-3'
Protein context (NP_004376.2, residues 222-242): MGKAGVRTYG[Phe232Leu]RSPQETYDVY